The following is an entry in ClinVar:

NM_032531.4(KIRREL3):c.1798C>G (p.Gln600Glu)

Gene: KIRREL3 (kirre like nephrin family adhesion molecule 3; minus strand). Cytogenetic location: 11q24.2.
Variant type: single nucleotide variant.
Coding change: c.1798C>G on transcript NM_032531.4 (MANE Select); coding-DNA position 1798, C replaced by G.
Protein change: p.Gln600Glu; replaces glutamine 600 with glutamic acid.
Molecular consequence: missense variant.
Genome position (GRCh38, 1-based): chr11:126,429,187, G>C on the plus strand (C>G on the coding strand, the complement: KIRREL3 is on the minus strand). VCF-style: chr11-126429187-G-C. GRCh37 (hg19) VCF-style: chr11-126299082-G-C.
Other names: c.1612C>G, p.Gln538Glu (NM_001441262.1); c.1762C>G, p.Gln588Glu (NM_001301097.2); c.1837C>G, p.Gln613Glu (NM_001441251.1, NM_001441254.1); c.1906C>G, p.Gln636Glu (NM_001441252.1); c.1873C>G, p.Gln625Glu (NM_001441253.1); c.1831C>G, p.Gln611Glu (NM_001441255.1); c.1801C>G, p.Gln601Glu (NM_001441256.1); c.1798C>G, p.Gln600Glu (NM_001441257.1, NM_001441258.1); and 3 more; short protein forms Q538E, Q552E, Q574E, Q586E, Q588E, Q600E, Q601E, Q611E.
Identifiers: ClinVar variation 4888135 (VCV004888135.1).

ClinVar aggregate classification (germline): Uncertain significance (1 of 4 stars; one submission).

Submission:

GeneDx
Classification: Uncertain significance. Last evaluated: 2022-05-09. Review status: criteria provided, single submitter. Criteria: GeneDx Variant Classification Process June 2021. Collection method: clinical testing. Allele origin: germline.
Comment: In silico analysis supports that this missense variant does not alter protein structure/function; Not observed at significant frequency in large population cohorts (gnomAD); Has not been previously published as pathogenic or benign to our knowledge; Variants in candidate genes are classified as variants of uncertain significance in accordance with ACMG guidelines (Richards et al., 2015)